The following is an entry in ClinVar:

NM_001909.5(CTSD):c.627_628del (p.Asn209fs)

Gene: CTSD (cathepsin D; minus strand). Cytogenetic location: 11p15.5.
Variant type: Deletion.
Coding change: c.627_628del on transcript NM_001909.5 (MANE Select); coding-DNA positions 627 to 628, 2 bases deleted (CA; older notation c.627_628delCA).
Protein change: p.Asn209fs; shifts the reading frame from asparagine 209.
Molecular consequence: frameshift variant.
Genome position (GRCh38, 1-based): chr11:1,757,400-1,757,401, TG deleted on the plus strand (CA on the coding strand, the reverse complement: CTSD is on the minus strand); deleting any 2 consecutive bases within chr11:1,757,400-1,757,402 gives the same sequence; the c. name uses the placement nearest the transcript's 3' end. VCF-style (leftmost placement, unchanged base first): chr11-1757399-TTG-T. GRCh37 (hg19) VCF-style: chr11-1778629-TTG-T.
Other names: short protein forms N209fs.
Identifiers: ClinVar variation 2021035 (VCV002021035.4), dbSNP rs2493823533, ClinGen allele CA2580082690.

ClinVar aggregate classification (germline): Pathogenic (1 of 4 stars; one submission).

Conditions:
Neuronal ceroid lipofuscinosis. Also called: Neuronal Ceroid Lipofuscinoses. Identifiers: Orphanet 216, Orphanet 79263, MedGen C0027877, MONDO:0016295. Disease mechanism: loss of function.

Submission:

Labcorp Genetics (formerly Invitae), Labcorp
Classification: Pathogenic for Neuronal ceroid lipofuscinosis. Last evaluated: 2022-08-10. Review status: criteria provided, single submitter. Criteria: Invitae Variant Classification Sherloc (09022015). Collection method: clinical testing. Allele origin: germline.
Comment: This variant has not been reported in the literature in individuals affected with CTSD-related conditions. This variant is not present in population databases (gnomAD no frequency). This sequence change creates a premature translational stop signal (p.Asn209Lysfs*35) in the CTSD gene. It is expected to result in an absent or disrupted protein product. Loss-of-function variants in CTSD are known to be pathogenic (PMID: 16670177, 26059544). For these reasons, this variant has been classified as Pathogenic.

Literature cited by the submitters: PubMed 16670177; PubMed 26059544.